The following is an entry in ClinVar:

ClinVar aggregate classification (germline): Conflicting classifications of pathogenicity. Review status: criteria provided, conflicting classifications (1 of 4 stars). 4 submissions from 4 submitters: Uncertain significance (1); Benign (1); Likely benign (1). 1 of the submissions does not count toward it. Last evaluated 2025-06-22.

Conditions:
CYP4V2-related disorder. Also called: CYP4V2-related condition; CYP4V2-related disorders.

Allele frequency attached by ClinVar (database versions not stated): gnomAD below 0.00001 and 0.00004; 1000 Genomes Project 30x 0.00031; ExAC 0.00032; gnomAD exomes 0.00034 and 0.00013; 1000 Genomes Project 0.00040; TOPMed 0.00002.
gnomAD v4.1: 204 of 1,614,098 alleles (0.013%); highest among the groups gnomAD compares: South Asian, 0.21%; 2 homozygotes.

Submissions (4):

Labcorp Genetics (formerly Invitae), Labcorp
Classification: Benign. Last evaluated: 2025-06-22. Review status: criteria provided, single submitter. Criteria: Invitae Variant Classification Sherloc (09022015). Collection method: clinical testing. Allele origin: germline.

Blueprint Genetics
Classification: Likely benign. Last evaluated: 2024-10-18. Review status: criteria provided, single submitter. Criteria: ACMG Guidelines, 2015. Collection method: clinical testing. Allele origin: germline.

Eurofins Ntd Llc (ga)
Classification: Uncertain significance. Last evaluated: 2014-01-09. Review status: criteria provided, single submitter. Criteria: EGL Classification Definitions 2015. Collection method: clinical testing. Allele origin: germline. Observed: 1 variant allele, 1 heterozygote.

PreventionGenetics, part of Exact Sciences
Classification: Likely benign for CYP4V2-related condition. Last evaluated: 2019-07-31. Review status: no assertion criteria provided. Collection method: clinical testing. Allele origin: germline. Not counted in ClinVar's aggregate classification.
Comment: This variant is classified as likely benign based on ACMG/AMP sequence variant interpretation guidelines (Richards et al. 2015 PMID: 25741868, with internal and published modifications).

NM_207352.4(CYP4V2):c.1479C>T (p.Asn493=)

Gene: CYP4V2 (cytochrome P450 family 4 subfamily V member 2; plus strand). Cytogenetic location: 4q35.2.
Variant type: single nucleotide variant.
Coding change: c.1479C>T on transcript NM_207352.4 (MANE Select); coding-DNA position 1479, C replaced by T.
Protein change: p.Asn493=; no amino-acid change (asparagine 493 retained).
Molecular consequence: synonymous variant.
Genome position (GRCh38, 1-based): chr4:186,210,542, C>T. VCF-style: chr4-186210542-C-T. GRCh37 (hg19) VCF-style: chr4-187131696-C-T.
Other names: c.1479C>T (NM_207352.3).
Identifiers: ClinVar variation 166979 (VCV000166979.17), dbSNP rs374270799, ClinGen allele CA233874.